The following is an entry in ClinVar:

NM_000092.5(COL4A4):c.1394C>T (p.Pro465Leu)

Gene: COL4A4 (collagen type IV alpha 4 chain; minus strand). Cytogenetic location: 2q36.3.
Variant type: single nucleotide variant.
Coding change: c.1394C>T on transcript NM_000092.5 (MANE Select); coding-DNA position 1394, C replaced by T.
Protein change: p.Pro465Leu; replaces proline 465 with leucine.
Molecular consequence: missense variant.
Genome position (GRCh38, 1-based): chr2:227,089,933, G>A on the plus strand (C>T on the coding strand, the complement: COL4A4 is on the minus strand). VCF-style: chr2-227089933-G-A. GRCh37 (hg19) VCF-style: chr2-227954649-G-A.
Other names: c.1394C>T (NM_000092.4); short protein forms P465L.
Identifiers: ClinVar variation 929893 (VCV000929893.11), dbSNP rs200411532, ClinGen allele CA2145177.

ClinVar aggregate classification (germline): Uncertain significance. Review status: criteria provided, multiple submitters, no conflicts (2 of 4 stars). 5 submissions from 5 submitters: Uncertain significance (4). 1 of the submissions does not count toward it. Last evaluated 2025-03-18.

Conditions:
COL4A4-related disorder.
Alport syndrome. Also called: Hemorrhagic familial nephritis; Hemorrhagic hereditary nephritis; Congenital hereditary hematuria. Identifiers: Orphanet 63, MedGen C1567741, MONDO:0018965.

Allele frequency attached by ClinVar (database versions not stated): ExAC 0.00003; gnomAD 0.00005 and 0.00006.
gnomAD v4.1: 134 of 1,613,406 alleles (0.0083%); highest among the groups gnomAD compares: Non-Finnish European, 0.011%; no homozygotes.

Submissions (5):

Labcorp Genetics (formerly Invitae), Labcorp
Classification: Uncertain significance. Last evaluated: 2025-03-18. Review status: criteria provided, single submitter. Criteria: Invitae Variant Classification Sherloc (09022015). Collection method: clinical testing. Allele origin: germline.
Comment: This sequence change replaces proline, which is neutral and non-polar, with leucine, which is neutral and non-polar, at codon 465 of the COL4A4 protein (p.Pro465Leu). This variant is present in population databases (rs200411532, gnomAD 0.007%). This variant has not been reported in the literature in individuals affected with COL4A4-related conditions. ClinVar contains an entry for this variant (Variation ID: 929893). Invitae Evidence Modeling of protein sequence and biophysical properties (such as structural, functional, and spatial information, amino acid conservation, physicochemical variation, residue mobility, and thermodynamic stability) has been performed for this missense variant. However, the output from this modeling did not meet the statistical confidence thresholds required to predict the impact of this variant on COL4A4 protein function. In summary, the available evidence is currently insufficient to determine the role of this variant in disease. Therefore, it has been classified as a Variant of Uncertain Significance.

PreventionGenetics, part of Exact Sciences
Classification: Uncertain significance for COL4A4-related condition. Last evaluated: 2025-03-02. Review status: criteria provided, single submitter. Criteria: ACMG Guidelines, 2015. Collection method: clinical testing. Allele origin: germline.
Comment: The COL4A4 c.1394C>T variant is predicted to result in the amino acid substitution p.Pro465Leu. To our knowledge, this variant has not been reported in the literature. This variant is reported in 0.010% of alleles in individuals of European (Non-Finnish) descent in gnomAD. At this time, the clinical significance of this variant is uncertain due to the absence of conclusive functional and genetic evidence.

GeneDx
Classification: Uncertain significance. Last evaluated: 2024-07-22. Review status: criteria provided, single submitter. Criteria: GeneDx Variant Classification Process June 2021. Collection method: clinical testing. Allele origin: germline. Affected: yes.
Comment: In silico analysis supports that this missense variant has a deleterious effect on protein structure/function; Has not been previously published as pathogenic or benign to our knowledge; Occurs in the triple helical domain at the Y position in the canonical Gly-X-Y repeat; although this variant may have an effect on normal protein folding and function, missense substitution at the Y position is not a common mechanism of disease

Laboratory for Molecular Medicine, Mass General Brigham Personalized Medicine
Classification: Uncertain significance. Last evaluated: 2019-05-02. Review status: criteria provided, single submitter. Criteria: LMM Criteria. Collection method: clinical testing. Allele origin: germline. Observed: 1 variant allele.
Comment: The p.Pro465Leu variant in COL4A4 has not been previously reported in individuals with hearing loss or Alport syndrome, but has been identified in 0.01% (13/128552) of European chromosomes by gnomAD. Computational prediction tools and conservation analysis do not provide strong support for or against an impact to the protein. In summary, the clinical significance of this variant is uncertain. ACMG/AMP Criteria applied: PM2_P

Natera, Inc.
Classification: Uncertain significance for Alport syndrome. Last evaluated: 2020-01-24. Review status: no assertion criteria provided. Collection method: clinical testing. Allele origin: germline. Not counted in ClinVar's aggregate classification.